The following is an entry in ClinVar:

NM_001142640.2(TNRC6C):c.2996G>T (p.Arg999Leu)

Gene: TNRC6C (trinucleotide repeat containing adaptor 6C; plus strand). Cytogenetic location: 17q25.3.
Variant type: single nucleotide variant.
Coding change: c.2996G>T on transcript NM_001142640.2 (MANE Select); coding-DNA position 2996, G replaced by T.
Protein change: p.Arg999Leu; replaces arginine 999 with leucine.
Molecular consequence: missense variant.
Genome position (GRCh38, 1-based): chr17:78,051,428, G>T. VCF-style: chr17-78051428-G-T. GRCh37 (hg19) VCF-style: chr17-76047509-G-T.
Other names: c.2366G>T, p.Arg789Leu (NM_018996.3, NM_001395508.1, NM_001395511.1 and 1 more transcripts); c.2996G>T, p.Arg999Leu (NM_001395509.1, NM_001395510.1); short protein forms R789L, R999L.
Identifiers: ClinVar variation 2648334 (VCV002648334.24), dbSNP rs564951028, ClinGen allele CA401225161.

ClinVar aggregate classification (germline): Uncertain significance (1 of 4 stars; one submission).

Submission:

CeGaT Center for Human Genetics Tuebingen
Classification: Uncertain significance. Last evaluated: 2022-07-01. Review status: criteria provided, single submitter. Criteria: CeGaT Center For Human Genetics Tuebingen Variant Classification Criteria Version 2. Collection method: clinical testing. Allele origin: germline. Affected: yes. Observed: 1 variant allele.
Comment: TNRC6C: PM2, BP4